The following is an entry in ClinVar:

ClinVar aggregate classification (germline): Uncertain significance (1 of 4 stars; one submission).

Conditions:
HERC2-related disorder. Also called: HERC2-related condition.

gnomAD v4.1: 262 of 1,611,912 alleles (0.016%); highest among the groups gnomAD compares: Non-Finnish European, 0.021%; no homozygotes.

Submission:

PreventionGenetics, part of Exact Sciences
Classification: Uncertain significance for HERC2-related condition. Last evaluated: 2026-08-17. Review status: criteria provided, single submitter. Criteria: ACMG Guidelines, 2015. Collection method: clinical testing. Allele origin: germline.
Comment: The HERC2 c.8002G>C variant is predicted to result in the amino acid substitution p.Val2668Leu. To our knowledge, this variant has not been reported in the literature. This variant is reported in 0.016% of alleles in individuals of European (Non-Finnish) descent in gnomAD. At this time, the clinical significance of this variant is uncertain due to the absence of conclusive functional and genetic evidence.

NM_004667.6(HERC2):c.8002G>C (p.Val2668Leu)

Gene: HERC2 (HECT and RLD domain containing E3 ubiquitin protein ligase 2; minus strand). Cytogenetic location: 15q13.1.
Variant type: single nucleotide variant.
Coding change: c.8002G>C on transcript NM_004667.6 (MANE Select); coding-DNA position 8002, G replaced by C.
Protein change: p.Val2668Leu; replaces valine 2668 with leucine.
Molecular consequence: missense variant.
Genome position (GRCh38, 1-based): chr15:28,198,387, C>G on the plus strand (G>C on the coding strand, the complement: HERC2 is on the minus strand). VCF-style: chr15-28198387-C-G. GRCh37 (hg19) VCF-style: chr15-28443533-C-G.
Other names: short protein forms V2668L.
Identifiers: ClinVar variation 4983286 (VCV004983286.1).